The following is an entry in ClinVar:

ClinVar aggregate classification (germline): Uncertain significance (1 of 4 stars; one submission).

Submission:

Labcorp Genetics (formerly Invitae), Labcorp
Classification: Uncertain significance. Last evaluated: 2023-10-19. Review status: criteria provided, single submitter. Criteria: Invitae Variant Classification Sherloc (09022015). Collection method: clinical testing. Allele origin: germline.
Comment: This sequence change replaces phenylalanine, which is neutral and non-polar, with leucine, which is neutral and non-polar, at codon 277 of the CSF2RB protein (p.Phe277Leu). This variant is not present in population databases (gnomAD no frequency). This variant has not been reported in the literature in individuals affected with CSF2RB-related conditions. Advanced modeling of protein sequence and biophysical properties (such as structural, functional, and spatial information, amino acid conservation, physicochemical variation, residue mobility, and thermodynamic stability) has been performed at Invitae for this missense variant, however the output from this modeling did not meet the statistical confidence thresholds required to predict the impact of this variant on CSF2RB protein function. In summary, the available evidence is currently insufficient to determine the role of this variant in disease. Therefore, it has been classified as a Variant of Uncertain Significance.

NM_000395.3(CSF2RB):c.831C>G (p.Phe277Leu)

Gene: CSF2RB (colony stimulating factor 2 receptor subunit beta; plus strand). Cytogenetic location: 22q12.3.
Variant type: single nucleotide variant.
Coding change: c.831C>G on transcript NM_000395.3 (MANE Select); coding-DNA position 831, C replaced by G.
Protein change: p.Phe277Leu; replaces phenylalanine 277 with leucine.
Molecular consequence: missense variant.
Genome position (GRCh38, 1-based): chr22:36,930,487, C>G. VCF-style: chr22-36930487-C-G. GRCh37 (hg19) VCF-style: chr22-37326529-C-G.
Other names: c.831C>G, p.Phe277Leu (NM_001410827.1); short protein forms F277L.
Identifiers: ClinVar variation 2835576 (VCV002835576.3), dbSNP rs2517992604, ClinGen allele CA411407691.